The following is an entry in ClinVar:

NM_001083614.2(EARS2):c.1240C>T (p.Gln414Ter)

Gene: EARS2 (glutamyl-tRNA synthetase 2, mitochondrial; minus strand). Cytogenetic location: 16p12.2.
Variant type: single nucleotide variant.
Coding change: c.1240C>T on transcript NM_001083614.2 (MANE Select); coding-DNA position 1240, C replaced by T.
Protein change: p.Gln414Ter; replaces glutamine 414 with a stop codon.
Molecular consequence: nonsense. On other transcripts: non-coding transcript variant (1).
Genome position (GRCh38, 1-based): chr16:23,529,614, G>A on the plus strand (C>T on the coding strand, the complement: EARS2 is on the minus strand). VCF-style: chr16-23529614-G-A. GRCh37 (hg19) VCF-style: chr16-23540935-G-A.
Other names: c.1240C>T, p.Gln414Ter (NM_001308211.1); short protein forms Q414*.
Identifiers: ClinVar variation 1454232 (VCV001454232.6), dbSNP rs1965289455, ClinGen allele CA395129292.
Genomic context (GRCh38, chr16:23,529,614, plus strand): 5'-GTGCTCGACCTACTGCAGGGCGAGTCCACAGGTAAGAGTATACTGGGGACACCAAGTCCT[G>A]CAGGCGGCAAATGTGACCCTGGGGAAGGAGGCAGTCATTGAATGCACTAGGGACAGGGCT-3'

ClinVar aggregate classification (germline): Pathogenic (1 of 4 stars; one submission).

Allele frequency attached by ClinVar (database versions not stated): gnomAD exomes below 0.00001; gnomAD 0.00001.

Submission:

Labcorp Genetics (formerly Invitae), Labcorp
Classification: Pathogenic. Last evaluated: 2022-11-15. Review status: criteria provided, single submitter. Criteria: Invitae Variant Classification Sherloc (09022015). Collection method: clinical testing. Allele origin: germline.
Comment: For these reasons, this variant has been classified as Pathogenic. ClinVar contains an entry for this variant (Variation ID: 1454232). This variant has not been reported in the literature in individuals affected with EARS2-related conditions. This variant is not present in population databases (gnomAD no frequency). This sequence change creates a premature translational stop signal (p.Gln414*) in the EARS2 gene. It is expected to result in an absent or disrupted protein product. Loss-of-function variants in EARS2 are known to be pathogenic (PMID: 22492562).

Literature cited by the submitters: PubMed 22492562.